The following is an entry in ClinVar:

ClinVar aggregate classification (germline): Conflicting classifications of pathogenicity. Review status: criteria provided, conflicting classifications (1 of 4 stars). 8 submissions from 8 submitters: Uncertain significance (3); Likely benign (3). 2 of the submissions do not count toward it. Last evaluated 2025-12-09.

Conditions:
Thrombus. Identifiers: MedGen C0087086, MeSH D013927.
Upshaw-Schulman syndrome (TTP). Also called: THROMBOTIC THROMBOCYTOPENIC PURPURA, HEREDITARY; Congenital thrombotic thrombocytopenic purpura. Identifiers: Orphanet 93583, MedGen C1268935, MONDO:0010122, OMIM 274150.
ADAMTS13-related disorder. Also called: ADAMTS13-related condition.

Allele frequency attached by ClinVar (database versions not stated): gnomAD 0.00020 and 0.00021; gnomAD exomes 0.00020 and 0.00029; ESP Exome Variant Server 0.00038; 1000 Genomes Project 0.00040; ExAC 0.00023; TOPMed 0.00026; 1000 Genomes Project 30x 0.00031.
gnomAD v4.1: 355 of 1,613,488 alleles (0.022%); highest among the groups gnomAD compares: Middle Eastern, 0.16%; 2 homozygotes.

Submissions (8):

Mayo Clinic Laboratories, Mayo Clinic
Classification: Uncertain significance. Last evaluated: 2025-12-09. Review status: criteria provided, single submitter. Criteria: ACMG Guidelines, 2015. Collection method: clinical testing. Allele origin: germline. Observed: 3 variant alleles.
Comment: BP4_moderate

Labcorp Genetics (formerly Invitae), Labcorp
Classification: Likely benign. Last evaluated: 2025-12-02. Review status: criteria provided, single submitter. Criteria: Invitae Variant Classification Sherloc (09022015). Collection method: clinical testing. Allele origin: germline.

Blueprint Genetics
Classification: Likely benign. Last evaluated: 2024-09-23. Review status: criteria provided, single submitter. Criteria: ACMG Guidelines, 2015. Collection method: clinical testing. Allele origin: germline.

Fulgent Genetics
Classification: Likely benign for Upshaw-Schulman syndrome. Last evaluated: 2024-02-14. Review status: criteria provided, single submitter. Criteria: ACMG Guidelines, 2015. Collection method: clinical testing. Allele origin: germline.

Illumina Laboratory Services, Illumina
Classification: Uncertain significance for Upshaw-Schulman syndrome. Last evaluated: 2018-01-13. Review status: criteria provided, single submitter. Criteria: ICSL Variant Classification Criteria 13 December 2019. Collection method: clinical testing. Allele origin: germline.

ISTH-SSC Genomics in Thrombosis and Hemostasis, KU Leuven, Center for Molecular and Vascular Biology
Classification: Uncertain significance for Thrombus. Review status: criteria provided, single submitter. Criteria: ACMG Guidelines, 2015. Collection method: clinical testing. Allele origin: germline. Affected: yes. Observed: 1 heterozygote.
Comment: Submitted to GoldVariant by Kathleen Freson, Center for Molecular and Vascular Biology, Leuven, Belgium

PreventionGenetics, part of Exact Sciences
Classification: Likely benign for ADAMTS13-related condition. Last evaluated: 2022-04-27. Review status: no assertion criteria provided. Collection method: clinical testing. Allele origin: germline. Not counted in ClinVar's aggregate classification.
Comment: This variant is classified as likely benign based on ACMG/AMP sequence variant interpretation guidelines (Richards et al. 2015 PMID: 25741868, with internal and published modifications).

Department of Pathology and Laboratory Medicine, Sinai Health System
Classification: Uncertain significance. Review status: no assertion criteria provided. Collection method: clinical testing. Allele origin: unknown. Affected: yes. Study: The Canadian Open Genetics Repository (COGR). Not counted in ClinVar's aggregate classification.
Comment: The ADAMTS13 p.Val849Ile variant was identified in 32 of 154 proband chromosomes (frequency: 0.208) from Portuguese individuals with Thrombotic Microangiopathies (TMA) and was not identified in 84 control chromosomes from healthy individuals (Fidalgo_2017_PMID:30046676). The variant was also identified in dbSNP (ID: rs140639242) and was not identified in ClinVar, Cosmic or LOVD 3.0. The variant was identified in control databases in 76 of 281684 chromosomes at a frequency of 0.00027 (Genome Aggregation Database Feb 27, 2017). The variant was observed in the following populations: Ashkenazi Jewish in 40 of 10320 chromosomes (freq: 0.003876), Other in 4 of 7188 chromosomes (freq: 0.000557), European (non-Finnish) in 22 of 128354 chromosomes (freq: 0.000171), Latino in 5 of 35410 chromosomes (freq: 0.000141), South Asian in 3 of 30600 chromosomes (freq: 0.000098), African in 2 of 24882 chromosomes (freq: 0.00008), while the variant was not observed in the East Asian, and European (Finnish) populations. The Val849Ile variant occurs in the thrombospondin repeat region of the ADAMTS13 gene and was reported to be benign (Fidalgo_2017_PMID:30046676). The p.Val849 residue is not conserved in mammals and computational analyses (PolyPhen-2, SIFT, AlignGVGD, BLOSUM, MutationTaster) do not suggest a high likelihood of impact to the protein; however, this information is not predictive enough to rule out pathogenicity. The variant occurs outside of the splicing consensus sequence and three of four in silico or computational prediction software programs (SpliceSiteFinder, MaxEntScan, NNSPLICE) do not predict a difference in splicing. In summary, based on the above information the clinical significance of this variant cannot be determined with certainty at this time. This variant is classified as a variant of uncertain significance.

NM_139027.6(ADAMTS13):c.2545G>A (p.Val849Ile)

Gene: ADAMTS13 (ADAM metallopeptidase with thrombospondin type 1 motif 13; plus strand). Cytogenetic location: 9q34.2.
Variant type: single nucleotide variant.
Coding change: c.2545G>A on transcript NM_139027.6 (MANE Select); coding-DNA position 2545, G replaced by A.
Protein change: p.Val849Ile; replaces valine 849 with isoleucine.
Molecular consequence: missense variant. On other transcripts: non-coding transcript variant (1).
Genome position (GRCh38, 1-based): chr9:133,444,987, G>A. VCF-style: chr9-133444987-G-A. GRCh37 (hg19) VCF-style: chr9-136310108-G-A.
Other names: p.Val849Ile; c.2545G>A, p.Val849Ile (NM_139025.5); c.2452G>A, p.Val818Ile (NM_139026.6); short protein forms V849I, V818I.
Identifiers: ClinVar variation 914233 (VCV000914233.19), dbSNP rs140639242, ClinGen allele CA200936055.